The following is an entry in ClinVar:

ClinVar aggregate classification (germline): Conflicting classifications of pathogenicity. Review status: criteria provided, conflicting classifications (1 of 4 stars). 3 submissions from 3 submitters: Uncertain significance (2); Likely benign (1). Last evaluated 2026-01-06.

Conditions:
Inborn genetic diseases. Identifiers: MedGen C0950123, MeSH D030342.
Neuropathy, hereditary sensory and autonomic, type 2A (HSAN2A). Also called: ACROOSTEOLYSIS, GIACCAI TYPE; ACROOSTEOLYSIS, NEUROGENIC; MORVAN DISEASE; NEUROPATHY, CONGENITAL SENSORY; NEUROPATHY, HEREDITARY SENSORY RADICULAR, AUTOSOMAL RECESSIVE; NEUROPATHY, HEREDITARY SENSORY, TYPE IIA. Identifiers: Orphanet 970, MedGen C2752089, MONDO:0024309, OMIM 201300.
Generalized epilepsy with febrile seizures plus, type 7 (GEFSP7). Also called: GEFS+, TYPE 7. Identifiers: Orphanet 36387, MedGen C2751778, MONDO:0013470, OMIM 613863.

Allele frequency attached by ClinVar (database versions not stated): gnomAD exomes 0.00001; ExAC 0.00002; TOPMed 0.00008; gnomAD 0.00009; 1000 Genomes Project 30x 0.00016; 1000 Genomes Project 0.00020.
gnomAD v4.1: 24 of 1,613,944 alleles (0.0015%); highest among the groups gnomAD compares: African/African-American, 0.017%; no homozygotes.

Submissions (3):

Women's Health and Genetics/Laboratory Corporation of America, LabCorp
Classification: Uncertain significance. Last evaluated: 2026-01-06. Review status: criteria provided, single submitter. Criteria: LabCorp Variant Classification Summary - May 2015. Collection method: clinical testing. Allele origin: germline.
Comment: Variant summary: SCN9A c.4106T>C (p.Val1369Ala) results in a non-conservative amino acid change in the encoded protein sequence. Algorithms developed to predict the effect of missense changes on protein structure and function are either unavailable or do not agree on the potential impact of this missense change. The variant allele was found at a frequency of 1.2e-05 in 249204 control chromosomes. The available data on variant occurrences in the general population are insufficient to allow any conclusion about variant significance. To our knowledge, no occurrence of c.4106T>C in individuals affected with SCN9A-related conditions and no experimental evidence demonstrating its impact on protein function have been reported. ClinVar contains an entry for this variant (Variation ID: 580052). Based on the evidence outlined above, the variant was classified as uncertain significance.

Labcorp Genetics (formerly Invitae), Labcorp
Classification: Likely benign for Neuropathy, hereditary sensory and autonomic, type 2A; Generalized epilepsy with febrile seizures plus, type 7. Last evaluated: 2025-10-24. Review status: criteria provided, single submitter. Criteria: Invitae Variant Classification Sherloc (09022015). Collection method: clinical testing. Allele origin: germline.

Ambry Genetics
Classification: Uncertain significance for Inborn genetic diseases. Last evaluated: 2023-10-30. Review status: criteria provided, single submitter. Criteria: Ambry Variant Classification Scheme 2023. Collection method: clinical testing. Allele origin: germline.

NM_001365536.1(SCN9A):c.4139T>C (p.Val1380Ala)

Genes: SCN9A (sodium voltage-gated channel alpha subunit 9; minus strand), SCN1A-AS1 (SCN1A and SCN9A antisense RNA 1; plus strand). Cytogenetic location: 2q24.3.
Variant type: single nucleotide variant.
Coding change: c.4139T>C on transcript NM_001365536.1 (MANE Select); coding-DNA position 4139, T replaced by C.
Protein change: p.Val1380Ala; replaces valine 1380 with alanine.
Molecular consequence: missense variant.
Genome position (GRCh38, 1-based): chr2:166,228,758, A>G on the plus strand (T>C on the coding strand, the complement: SCN9A is on the minus strand). VCF-style: chr2-166228758-A-G. GRCh37 (hg19) VCF-style: chr2-167085268-A-G.
Other names: c.4106T>C, p.Val1369Ala (NM_002977.4); short protein forms V1369A, V1380A.
Identifiers: ClinVar variation 580052 (VCV000580052.14), dbSNP rs113161460, ClinGen allele CA1943945.